The following is an entry in ClinVar:

NM_001164277.2(SLC37A4):c.1125-3C>G

Gene: SLC37A4 (solute carrier family 37 member 4; minus strand). Cytogenetic location: 11q23.3.
Variant type: single nucleotide variant.
Coding change: c.1125-3C>G on transcript NM_001164277.2 (MANE Select); 3 bases into the intron before coding-DNA position 1125, C replaced by G.
Molecular consequence: intron variant.
Genome position (GRCh38, 1-based): chr11:119,025,079, G>C on the plus strand (C>G on the coding strand, the complement: SLC37A4 is on the minus strand). VCF-style: chr11-119025079-G-C. GRCh37 (hg19) VCF-style: chr11-118895789-G-C.
Other names: c.906-3C>G (NM_001164279.2); c.1125-3C>G (NM_001467.6, NM_001164280.2); c.1191-3C>G (NM_001164278.2).
Identifiers: ClinVar variation 3708607 (VCV003708607.2).

ClinVar aggregate classification (germline): Uncertain significance (1 of 4 stars; one submission).

Conditions:
Glucose-6-phosphate transport defect (GSD1B). Also called: Glycogen Storage Disease Type Ib; GSD Ib. Identifiers: Orphanet 364, Orphanet 79259, MedGen C0268146, MONDO:0009288, OMIM 232220.

Submission:

Labcorp Genetics (formerly Invitae), Labcorp
Classification: Uncertain significance for Glucose-6-phosphate transport defect. Last evaluated: 2024-04-18. Review status: criteria provided, single submitter. Criteria: Invitae Variant Classification Sherloc (09022015). Collection method: clinical testing. Allele origin: germline.
Comment: This sequence change falls in intron 9 of the SLC37A4 gene. It does not directly change the encoded amino acid sequence of the SLC37A4 protein. It affects a nucleotide within the consensus splice site. This variant is not present in population databases (gnomAD no frequency). This variant has not been reported in the literature in individuals affected with SLC37A4-related conditions. Variants that disrupt the consensus splice site are a relatively common cause of aberrant splicing (PMID: 17576681, 9536098). Algorithms developed to predict the effect of sequence changes on RNA splicing suggest that this variant may disrupt the consensus splice site. In summary, the available evidence is currently insufficient to determine the role of this variant in disease. Therefore, it has been classified as a Variant of Uncertain Significance.

Literature cited by the submitters: PubMed 17576681; PubMed 9536098.